The following is an entry in ClinVar:

NM_000138.5(FBN1):c.1837G>A (p.Asp613Asn)

Gene: FBN1 (fibrillin 1; minus strand). Cytogenetic location: 15q21.1.
Variant type: single nucleotide variant.
Coding change: c.1837G>A on transcript NM_000138.5 (MANE Select); coding-DNA position 1837, G replaced by A.
Protein change: p.Asp613Asn; replaces aspartic acid 613 with asparagine.
Molecular consequence: missense variant.
Genome position (GRCh38, 1-based): chr15:48,508,582, C>T on the plus strand (G>A on the coding strand, the complement: FBN1 is on the minus strand). VCF-style: chr15-48508582-C-T. GRCh37 (hg19) VCF-style: chr15-48800779-C-T.
Other names: short protein forms D613N.
Identifiers: ClinVar variation 1355106 (VCV001355106.8), dbSNP rs1555399943, ClinGen allele CA392340142.

ClinVar aggregate classification (germline): Pathogenic/Likely pathogenic. Review status: criteria provided, multiple submitters, no conflicts (2 of 4 stars). 2 submissions from 2 submitters: Pathogenic (1); Likely pathogenic (1). Last evaluated 2026-01-05.

Conditions:
Marfan syndrome (MFS). Also called: Marfan syndrome type 1; Marfan's syndrome; FBN1-Related Marfan Syndrome; MARFAN SYNDROME, TYPE I; Marfan syndrome, classic. Identifiers: Orphanet 284963, Orphanet 558, MedGen C0024796, MONDO:0007947, OMIM 154700.
Familial thoracic aortic aneurysm and aortic dissection (TAAD). Also called: Thoracic aortic aneurysms and dissections. Identifiers: Orphanet 91387, MedGen C4707243, MONDO:0019625.

Submissions (2):

Labcorp Genetics (formerly Invitae), Labcorp
Classification: Pathogenic for Marfan syndrome; Familial thoracic aortic aneurysm and aortic dissection. Last evaluated: 2026-01-05. Review status: criteria provided, single submitter. Criteria: Invitae Variant Classification Sherloc (09022015). Collection method: clinical testing. Allele origin: germline.
Comment: This sequence change replaces aspartic acid, which is acidic and polar, with asparagine, which is neutral and polar, at codon 613 of the FBN1 protein (p.Asp613Asn). This variant also falls at the last nucleotide of exon 15, which is part of the consensus splice site for this exon. This variant is not present in population databases (gnomAD no frequency). This missense change has been observed in individuals with clinical features of FBN1-related conditions (PMID: 19839986, 25652356, 31830381; internal data). ClinVar contains an entry for this variant (Variation ID: 1355106). An algorithm developed to predict the effect of missense changes on protein structure and function (PolyPhen-2) suggests that this variant is likely to be disruptive. Variants that disrupt the consensus splice site are a relatively common cause of aberrant splicing (PMID: 17576681, 9536098). Algorithms developed to predict the effect of sequence changes on RNA splicing suggest that this variant may disrupt the consensus splice site. For these reasons, this variant has been classified as Pathogenic.

Ambry Genetics
Classification: Likely pathogenic for Familial thoracic aortic aneurysm and aortic dissection. Last evaluated: 2015-06-03. Review status: criteria provided, single submitter. Criteria: Ambry Variant Classification Scheme 2023. Collection method: clinical testing. Allele origin: germline.
Comment: The c.1837G>A variant (also known as p.D613N), located in coding exon 14 of the FBN1 gene, results from a G to A substitution at nucleotide position 1837. The amino acid change results in aspartic acid to asparagine at codon 613, an amino acid with highly similar properties. However, this change occurs in the last base pair of coding exon 14, which makes it likely to have some effect on normal mRNA splicing. This variant was not reported in population based cohorts in the following databases: Database of Single Nucleotide Polymorphisms (dbSNP), NHLBI Exome Sequencing Project (ESP), and 1000 Genomes Project. In the ESP, this variant was not observed in 6493 samples (12986 alleles) with coverage at this position. This amino acid position is highly conserved in available vertebrate species. This alteration is predicted by the ESEfinder splice tool to abolish the native donor splice site, but is predicted to weaken (but not abolish) the efficacy of the native donor splice site by a different tool, BDGP; however, direct evidence is unavailable. In addition, the in silico prediction for this alteration is inconclusive. Based on the majority of available evidence to date, this variant is likely to be pathogenic.

Literature cited by the submitters: PubMed 19839986 (cited by Labcorp Genetics (formerly Invitae), Labcorp); PubMed 25652356 (cited by Labcorp Genetics (formerly Invitae), Labcorp); PubMed 31830381 (cited by Labcorp Genetics (formerly Invitae), Labcorp); PubMed 17576681 (cited by Labcorp Genetics (formerly Invitae), Labcorp); PubMed 9536098 (cited by Labcorp Genetics (formerly Invitae), Labcorp).